The following is an entry in ClinVar:

ClinVar aggregate classification (germline): Uncertain significance (1 of 4 stars; one submission).

Conditions:
Atrioventricular septal defect 4 (AVSD4). Identifiers: MedGen C3280781, MONDO:0013747, OMIM 614430.

Submission:

Labcorp Genetics (formerly Invitae), Labcorp
Classification: Uncertain significance for Atrioventricular septal defect 4. Last evaluated: 2025-08-20. Review status: criteria provided, single submitter. Criteria: Invitae Variant Classification Sherloc (09022015). Collection method: clinical testing. Allele origin: germline.
Comment: This sequence change replaces glycine, which is neutral and non-polar, with valine, which is neutral and non-polar, at codon 145 of the GATA4 protein (p.Gly145Val). This variant is not present in population databases (gnomAD no frequency). This variant has not been reported in the literature in individuals affected with GATA4-related conditions. Invitae Evidence Modeling of protein sequence and biophysical properties (such as structural, functional, and spatial information, amino acid conservation, physicochemical variation, residue mobility, and thermodynamic stability) has been performed for this missense variant. However, the output from this modeling did not meet the statistical confidence thresholds required to predict the impact of this variant on GATA4 protein function. In summary, the available evidence is currently insufficient to determine the role of this variant in disease. Therefore, it has been classified as a Variant of Uncertain Significance.

NM_001308093.3(GATA4):c.434G>T (p.Gly145Val)

Gene: GATA4 (GATA binding protein 4). Cytogenetic location: 8p23.1.
Variant type: single nucleotide variant.
Coding change: c.434G>T on transcript NM_001308093.3 (MANE Select); coding-DNA position 434, G replaced by T.
Protein change: p.Gly145Val; replaces glycine 145 with valine.
Molecular consequence: missense variant. On other transcripts: intron variant (3).
Genome position (GRCh38, 1-based): chr8:11,708,746, G>T. VCF-style: chr8-11708746-G-T. GRCh37 (hg19) VCF-style: chr8-11566255-G-T.
Other names: c.434G>T, p.Gly145Val (NM_002052.5); c.-6+7968G>T (NM_001308094.2); c.-3+732G>T (NM_001374274.1); c.-3+4442G>T (NM_001374273.1); short protein forms G145V.
Identifiers: ClinVar variation 4704769 (VCV004704769.1).
Genomic context (GRCh38, chr8:11,708,746, plus strand): 5'-CGGCCCGGGAAGCTGCGGCCTACAGCAGTGGCGGCGGAGCGGCGGGTGCGGGCCTGGCGG[G>T]CCGCGAGCAGTACGGGCGCGCCGGCTTCGCGGGCTCCTACTCCAGCCCCTACCCGGCTTA-3'
Protein context (NP_001295022.1, residues 135-155): GGGAAGAGLA[Gly145Val]REQYGRAGFA